The following is an entry in ClinVar:

NM_020312.4(COQ9):c.230A>G (p.His77Arg)

Gene: COQ9 (coenzyme Q9; plus strand). Cytogenetic location: 16q21.
Variant type: single nucleotide variant.
Coding change: c.230A>G on transcript NM_020312.4 (MANE Select); coding-DNA position 230, A replaced by G.
Protein change: p.His77Arg; replaces histidine 77 with arginine.
Molecular consequence: missense variant.
Genome position (GRCh38, 1-based): chr16:57,451,196, A>G. VCF-style: chr16-57451196-A-G. GRCh37 (hg19) VCF-style: chr16-57485108-A-G.
Other names: short protein forms H77R.
Identifiers: ClinVar variation 5008278 (VCV005008278.1).

ClinVar aggregate classification (germline): Uncertain significance (1 of 4 stars; one submission).

gnomAD v4.1: 1 of 1,613,998 alleles (0.000062%); highest among the groups gnomAD compares: East Asian, 0.0022%; no homozygotes.

Submission:

GeneDx
Classification: Uncertain significance. Last evaluated: 2026-03-09. Review status: criteria provided, single submitter. Criteria: GeneDx Variant Classification Process June 2021. Collection method: clinical testing. Allele origin: germline.
Comment: Not observed at significant frequency in large population cohorts (gnomAD); In silico analysis suggests that this missense variant does not alter protein structure/function; Has not been previously published as pathogenic or benign to our knowledge